The following is an entry in ClinVar:

ClinVar aggregate classification (germline): Uncertain significance. Review status: criteria provided, multiple submitters, no conflicts (2 of 4 stars). 2 submissions from 2 submitters: Uncertain significance (2). Last evaluated 2025-04-12.

Conditions:
Inborn genetic diseases. Identifiers: MedGen C0950123, MeSH D030342.

Allele frequency attached by ClinVar (database versions not stated): gnomAD 0.00008 and 0.00009; TOPMed 0.00011; gnomAD exomes 0.00002; ExAC 0.00002.
gnomAD v4.1: 26 of 1,614,076 alleles (0.0016%); highest among the groups gnomAD compares: African/African-American, 0.033%; no homozygotes.

Submissions (2):

Ambry Genetics
Classification: Uncertain significance for Inborn genetic diseases. Last evaluated: 2025-04-12. Review status: criteria provided, single submitter. Criteria: Ambry Variant Classification Scheme 2023. Collection method: clinical testing. Allele origin: germline.

ARUP Laboratories, Molecular Genetics and Genomics, ARUP Laboratories
Classification: Uncertain significance. Last evaluated: 2017-12-12. Review status: criteria provided, single submitter. Criteria: ARUP Molecular Germline Variant Investigation Process. Collection method: clinical testing. Allele origin: germline.
Comment: The p.Leu1238Met variant (rs757548779) has not been reported in the medical literature, gene specific variation databases, nor has it been previously identified by our laboratory. This variant is listed in the Genome Aggregation Database (gnomAD) with an overall population frequency of 0.003 percent (identified on 7 out of 277,078 chromosomes). The leucine at position 1238 is highly conserved up to zebrafish considering 8 species (Alamut v2.10) and computational analyses of the effects of the p.Leu1238Met variant on protein structure and function indicate a deleterious effect (SIFT: damaging, MutationTaster: disease causing, PolyPhen-2: probably damaging). Altogether, there is not enough evidence to classify the p.Leu1238Met variant with certainty.

NM_024577.4(SH3TC2):c.3712C>A (p.Leu1238Met)

Gene: SH3TC2 (SH3 domain and tetratricopeptide repeats 2; minus strand). Cytogenetic location: 5q32.
Variant type: single nucleotide variant.
Coding change: c.3712C>A on transcript NM_024577.4 (MANE Select); coding-DNA position 3712, C replaced by A.
Protein change: p.Leu1238Met; replaces leucine 1238 with methionine.
Molecular consequence: missense variant.
Genome position (GRCh38, 1-based): chr5:149,004,866, G>T on the plus strand (C>A on the coding strand, the complement: SH3TC2 is on the minus strand). VCF-style: chr5-149004866-G-T. GRCh37 (hg19) VCF-style: chr5-148384429-G-T.
Other names: short protein forms L1238M.
Identifiers: ClinVar variation 618873 (VCV000618873.10), dbSNP rs757548779, ClinGen allele CA3498642.